The following is an entry in ClinVar:

ClinVar aggregate classification (germline): Uncertain significance (1 of 4 stars; one submission).

Conditions:
Chuvash polycythemia. Also called: POLYCYTHEMIA, VHL-DEPENDENT. Identifiers: Orphanet 238557, MedGen C1837915, MONDO:0009892, OMIM 263400.
Von Hippel-Lindau syndrome (VHLS). Also called: Von Hippel-Lindau; VHL syndrome; von Hippel–Lindau syndrome. Identifiers: Orphanet 892, MedGen C0019562, MONDO:0008667, OMIM 193300. Disease mechanism: loss of function.

Submission:

Labcorp Genetics (formerly Invitae), Labcorp
Classification: Uncertain significance for Von Hippel-Lindau syndrome; Chuvash polycythemia. Last evaluated: 2026-01-01. Review status: criteria provided, single submitter. Criteria: Invitae Variant Classification Sherloc (09022015). Collection method: clinical testing. Allele origin: germline.
Comment: This sequence change falls in intron 1 of the VHL gene. It is not expected to change the encoded amino acid sequence of the VHL protein. However, this sequence change falls within a cryptic exon in the VHL gene, known as exon E1’, which is naturally expressed at low levels in several human tissues (PMID: 29891534). This variant is not present in population databases (gnomAD no frequency). This variant has not been reported in the literature in individuals affected with VHL-related conditions. ClinVar contains an entry for this variant (Variation ID: 842699). Algorithms developed to predict the effect of sequence changes on RNA splicing suggest that this variant is not likely to affect RNA splicing. In summary, the available evidence is currently insufficient to determine the role of this variant in disease. Therefore, it has been classified as a Variant of Uncertain Significance.

Literature cited by the submitters: PubMed 29891534.

NM_000551.4(VHL):c.340+652A>C

Genes: VHL (von Hippel-Lindau tumor suppressor; plus strand), LOC107303340 (3p25 von Hippel-Lindau tumor suppressor, E3 ubiquitin protein ligase Alu-mediated recombination region; plus strand). Cytogenetic location: 3p25.3.
Variant type: single nucleotide variant.
Coding change: c.340+652A>C on transcript NM_000551.4 (MANE Select); 652 bases into the intron after coding-DNA position 340, A replaced by C.
Molecular consequence: intron variant. On other transcripts: synonymous variant (1).
Genome position (GRCh38, 1-based): chr3:10,142,839, A>C. VCF-style: chr3-10142839-A-C. GRCh37 (hg19) VCF-style: chr3-10184523-A-C.
Other names: c.417A>C, p.Thr139= (NM_001354723.2); c.340+652A>C (NM_198156.3).
Identifiers: ClinVar variation 842699 (VCV000842699.10), dbSNP rs1696160044, ClinGen allele CA916081412.